The following is an entry in ClinVar:

NM_006206.6(PDGFRA):c.144A>C (p.Arg48Ser)

Gene: PDGFRA (platelet derived growth factor receptor alpha; plus strand). Cytogenetic location: 4q12.
Variant type: single nucleotide variant.
Coding change: c.144A>C on transcript NM_006206.6 (MANE Select); coding-DNA position 144, A replaced by C.
Protein change: p.Arg48Ser; replaces arginine 48 with serine.
Molecular consequence: missense variant.
Genome position (GRCh38, 1-based): chr4:54,261,189, A>C. VCF-style: chr4-54261189-A-C. GRCh37 (hg19) VCF-style: chr4-55127356-A-C.
Other names: c.144A>C, p.Arg48Ser (NM_001347827.2, NM_001347829.2); c.219A>C, p.Arg73Ser (NM_001347828.2); c.183A>C, p.Arg61Ser (NM_001347830.2); short protein forms R48S, R61S, R73S.
Identifiers: ClinVar variation 528583 (VCV000528583.9), dbSNP rs1553902375, ClinGen allele CA356888337.
Genomic context (GRCh38, chr4:54,261,189, plus strand): 5'-CTCTATCCTTCCAAATGAAAATGAAAAGGTTGTGCAGCTGAATTCATCCTTTTCTCTGAG[A>C]TGCTTTGGGGAGAGTGAAGTGAGCTGGCAGTACCCCATGTCTGAAGAAGAGAGCTCCGAT-3'
Protein context (NP_006197.1, residues 38-58): VVQLNSSFSL[Arg48Ser]CFGESEVSWQ

ClinVar aggregate classification (germline): Uncertain significance (1 of 4 stars; one submission).

Conditions:
Gastrointestinal stromal tumor. Also called: Gastrointestinal stroma tumor; Gastrointestinal stromal tumor, somatic. Identifiers: Orphanet 44890, MedGen C0238198, MeSH D046152, MONDO:0011719, OMIM 606764, HP:0100723.

Submission:

Labcorp Genetics (formerly Invitae), Labcorp
Classification: Uncertain significance for Gastrointestinal stromal tumor. Last evaluated: 2024-03-12. Review status: criteria provided, single submitter. Criteria: Invitae Variant Classification Sherloc (09022015). Collection method: clinical testing. Allele origin: germline.
Comment: This sequence change replaces arginine, which is basic and polar, with serine, which is neutral and polar, at codon 48 of the PDGFRA protein (p.Arg48Ser). This variant is not present in population databases (gnomAD no frequency). This variant has not been reported in the literature in individuals affected with PDGFRA-related conditions. ClinVar contains an entry for this variant (Variation ID: 528583). Advanced modeling of protein sequence and biophysical properties (such as structural, functional, and spatial information, amino acid conservation, physicochemical variation, residue mobility, and thermodynamic stability) performed at Invitae indicates that this missense variant is not expected to disrupt PDGFRA protein function with a negative predictive value of 80%. In summary, the available evidence is currently insufficient to determine the role of this variant in disease. Therefore, it has been classified as a Variant of Uncertain Significance.